The following is an entry in ClinVar:

NM_000341.4(SLC3A1):c.2011C>T (p.Arg671Ter)

Genes: PREPL (prolyl endopeptidase like; minus strand), SLC3A1 (solute carrier family 3 member 1; plus strand). Cytogenetic location: 2p21.
Variant type: single nucleotide variant.
Coding change: c.2011C>T on transcript NM_000341.4 (MANE Select); coding-DNA position 2011, C replaced by T.
Protein change: p.Arg671Ter; replaces arginine 671 with a stop codon.
Molecular consequence: nonsense. On other transcripts: 3 prime UTR variant (10).
Genome position (GRCh38, 1-based): chr2:44,320,592, C>T. VCF-style: chr2-44320592-C-T. GRCh37 (hg19) VCF-style: chr2-44547731-C-T.
Other names: c.*764G>A (NM_001042385.2, NM_001042386.2, NM_001171603.1 and 7 more transcripts); short protein forms R671*.
Identifiers: ClinVar variation 804177 (VCV000804177.14), dbSNP rs1361526419, ClinGen allele CA346687521.

ClinVar aggregate classification (germline): Pathogenic. Review status: criteria provided, multiple submitters, no conflicts (2 of 4 stars). 4 submissions from 4 submitters: Pathogenic (2). 2 of the submissions do not count toward it. Last evaluated 2025-11-12.

Conditions:
Cystinuria (CSNU). Also called: Cystinuria, non-type I; CYSTINURIA, TYPE I; CYSTINURIA, TYPE II; CYSTINURIA, TYPE III. Identifiers: Orphanet 214, MedGen C0010691, MONDO:0009067, OMIM 220100, HP:0003131.
Cystine urolithiasis. Identifiers: MedGen C3671878.

Allele frequency attached by ClinVar (database versions not stated): gnomAD 0.00001; gnomAD exomes 0.00001; TOPMed 0.00002.
gnomAD v4.1: 10 of 1,613,862 alleles (0.00062%); highest among the groups gnomAD compares: African/African-American, 0.0027%; no homozygotes.

Submissions (4):

Labcorp Genetics (formerly Invitae), Labcorp
Classification: Pathogenic for Cystinuria. Last evaluated: 2025-11-12. Review status: criteria provided, single submitter. Criteria: Invitae Variant Classification Sherloc (09022015). Collection method: clinical testing. Allele origin: germline.
Comment: This sequence change creates a premature translational stop signal (p.Arg671*) in the SLC3A1 gene. While this is not anticipated to result in nonsense mediated decay, it is expected to disrupt the last 15 amino acid(s) of the SLC3A1 protein. This variant is present in population databases (no rsID available, gnomAD 0.01%). This premature translational stop signal has been observed in individual(s) with cystinuria (PMID: 28717662, 32133030). In at least one individual the data is consistent with being in trans (on the opposite chromosome) from a pathogenic variant. ClinVar contains an entry for this variant (Variation ID: 804177). This variant disrupts a region of the SLC3A1 protein in which other variant(s) (p.Cys673Arg, p.Cys673Trp) have been observed in individuals with SLC3A1-related conditions (PMID: 10620184, 11260385). This suggests that this is a clinically significant region of the protein, and that variants that disrupt it are likely to be disease-causing. For these reasons, this variant has been classified as Pathogenic.

Fulgent Genetics
Classification: Pathogenic for Cystinuria. Last evaluated: 2024-05-22. Review status: criteria provided, single submitter. Criteria: ACMG Guidelines, 2015. Collection method: clinical testing. Allele origin: germline.

Chinese Inherited Urolithiasis Consortium, The Affiliated Yantai Yuhuangding Hospital of Qingdao University
Classification: Pathogenic for Cystinuria. Last evaluated: 2024-08-26. Review status: no assertion criteria provided. Collection method: clinical testing. Allele origin: paternal. Affected: yes. Observed: 1 variant allele. Not counted in ClinVar's aggregate classification.

The Laboratory of Genetics and Metabolism, Hunan Children’s Hospital
Classification: Pathogenic for Cystine Urolithiasis. Review status: no assertion criteria provided. Collection method: research. Allele origin: maternal. Affected: yes. Not counted in ClinVar's aggregate classification.

Literature cited by the submitters: PubMed 28717662 (cited by Labcorp Genetics (formerly Invitae), Labcorp); PubMed 32133030 (cited by Labcorp Genetics (formerly Invitae), Labcorp); PubMed 10620184 (cited by Labcorp Genetics (formerly Invitae), Labcorp); PubMed 11260385 (cited by Labcorp Genetics (formerly Invitae), Labcorp).